The following is an entry in ClinVar:

ClinVar aggregate classification (germline): Uncertain significance. Review status: criteria provided, multiple submitters, no conflicts (2 of 4 stars). 2 submissions from 2 submitters: Uncertain significance (2). Last evaluated 2024-10-18.

Conditions:
Congenital stationary night blindness 1C. Also called: Night blindness, congenital stationary (complete), 1C, autosomal recessive. Identifiers: Orphanet 215, MedGen C2750747, MONDO:0013183, OMIM 613216.

Submissions (2):

SN ONGC Dept of Genetics and Molecular biology Vision Research Foundation
Classification: Uncertain significance for Congenital stationary night blindness 1C. Last evaluated: 2024-10-18. Review status: criteria provided, single submitter. Criteria: ACMG Guidelines, 2015. Collection method: research. Allele origin: unknown. Inheritance: X-linked recessive inheritance. Affected: yes. Observed: 1 hemizygote.
Comment: The p.(L309V) variant in NYX has been identified in an hemizygous state from an Indian study exhibiting an X-Linked recessive inheritance pattern. The (p.Leu309Val) variant has not been reported in the 1000 genomes, gnomAD (v4.1.0). There are no supporting functional evidence for the identified variant. In summary, the available evidence is currently insufficient to determine the role of this variant in disease. Therefore, it has been classified as a Variant of Uncertain Significance

Labcorp Genetics (formerly Invitae), Labcorp
Classification: Uncertain significance. Last evaluated: 2020-02-18. Review status: criteria provided, single submitter. Criteria: Invitae Variant Classification Sherloc (09022015). Collection method: clinical testing. Allele origin: germline.
Comment: This sequence change replaces leucine with valine at codon 309 of the NYX protein (p.Leu309Val). The leucine residue is highly conserved and there is a small physicochemical difference between leucine and valine. This variant is not present in population databases (ExAC no frequency). This variant has not been reported in the literature in individuals with NYX-related conditions. Algorithms developed to predict the effect of missense changes on protein structure and function (SIFT, PolyPhen-2, Align-GVGD) all suggest that this variant is likely to be disruptive, but these predictions have not been confirmed by published functional studies and their clinical significance is uncertain. In summary, the available evidence is currently insufficient to determine the role of this variant in disease. Therefore, it has been classified as a Variant of Uncertain Significance.

NM_001378477.3(NYX):c.910C>G (p.Leu304Val)

Gene: NYX (nyctalopin; plus strand). Cytogenetic location: Xp11.4.
Variant type: single nucleotide variant.
Coding change: c.910C>G on transcript NM_001378477.3 (MANE Select); coding-DNA position 910, C replaced by G.
Protein change: p.Leu304Val; replaces leucine 304 with valine.
Molecular consequence: missense variant.
Genome position (GRCh38, 1-based): chrX:41,474,378, C>G. VCF-style: chrX-41474378-C-G. GRCh37 (hg19) VCF-style: chrX-41333631-C-G.
Other names: c.910C>G, p.Leu304Val (NM_022567.3); short protein forms L309V, L304V.
Identifiers: ClinVar variation 839507 (VCV000839507.11), dbSNP rs2064379837, ClinGen allele CA412991705.